The following is an entry in ClinVar:

ClinVar aggregate classification (germline): Benign. Review status: criteria provided, multiple submitters, no conflicts (2 of 4 stars). 3 submissions from 3 submitters: Benign (3). Last evaluated 2026-01-26.

Conditions:
Spinocerebellar ataxia type 35. Identifiers: Orphanet 276193, MedGen C3888031, MONDO:0013485, OMIM 613908.

Allele frequency attached by ClinVar (database versions not stated): TOPMed 0.01490; 1000 Genomes Project 0.01977; 1000 Genomes Project 30x 0.02217; gnomAD 0.01332 and 0.01409; ESP Exome Variant Server 0.01476.
gnomAD v4.1: 3,958 of 1,613,924 alleles (0.25%); highest among the groups gnomAD compares: African/African-American, 4.6%; 91 homozygotes.

Submissions (3):

Labcorp Genetics (formerly Invitae), Labcorp
Classification: Benign. Last evaluated: 2026-01-26. Review status: criteria provided, single submitter. Criteria: Invitae Variant Classification Sherloc (09022015). Collection method: clinical testing. Allele origin: germline.

Illumina Laboratory Services, Illumina
Classification: Benign for Spinocerebellar ataxia type 35. Last evaluated: 2018-01-12. Review status: criteria provided, single submitter. Criteria: ICSL Variant Classification Criteria 13 December 2019. Collection method: clinical testing. Allele origin: germline.
Comment: This variant was observed in the ICSL laboratory as part of a predisposition screen in an ostensibly healthy population. It had not been previously curated by ICSL or reported in the Human Gene Mutation Database (HGMD: prior to June 1st, 2018), and was therefore a candidate for classification through an automated scoring system. Utilizing variant allele frequency, disease prevalence and penetrance estimates, and inheritance mode, an automated score was calculated to assess if this variant is too frequent to cause the disease. Based on the score and internal cut-off values, a variant classified as benign is not then subjected to further curation. The score for this variant resulted in a classification of benign for this disease.

Breakthrough Genomics
Classification: Benign. Review status: criteria provided, single submitter. Criteria: ACMG Guidelines, 2015. Collection method: not provided. Allele origin: germline. Inheritance: Autosomal dominant inheritance. Affected: yes.

NM_198994.3(TGM6):c.989+11C>T

Gene: TGM6 (transglutaminase 6; plus strand). Cytogenetic location: 20p13.
Variant type: single nucleotide variant.
Coding change: c.989+11C>T on transcript NM_198994.3 (MANE Select); 11 bases into the intron after coding-DNA position 989, C replaced by T.
Molecular consequence: intron variant.
Genome position (GRCh38, 1-based): chr20:2,400,455, C>T. VCF-style: chr20-2400455-C-T. GRCh37 (hg19) VCF-style: chr20-2381101-C-T.
Other names: c.989+11C>T (NM_001254734.2).
Identifiers: ClinVar variation 337917 (VCV000337917.10), dbSNP rs6048684, ClinGen allele CA9731910.